The following is an entry in ClinVar:

NM_001166108.2(PALLD):c.2510A>G (p.Lys837Arg)

Genes: CBR4 (carbonyl reductase 4; minus strand), PALLD (palladin, cytoskeletal associated protein; plus strand). Cytogenetic location: 4q32.3.
Variant type: single nucleotide variant.
Coding change: c.2510A>G on transcript NM_001166108.2 (MANE Select); coding-DNA position 2510, A replaced by G.
Protein change: p.Lys837Arg; replaces lysine 837 with arginine.
Molecular consequence: missense variant.
Genome position (GRCh38, 1-based): chr4:168,903,794, A>G. VCF-style: chr4-168903794-A-G. GRCh37 (hg19) VCF-style: chr4-169824945-A-G.
Other names: c.1313A>G, p.Lys438Arg (NM_001166109.2); c.998A>G, p.Lys333Arg (NM_001166110.2); c.338A>G, p.Lys113Arg (NM_001367567.1, NM_001367569.1); c.389A>G, p.Lys130Arg (NM_001367568.1, NM_001367570.1); c.2459A>G, p.Lys820Arg (NM_016081.4); short protein forms K113R, K333R, K837R, K130R, K438R, K820R.
Identifiers: ClinVar variation 1791586 (VCV001791586.2), dbSNP rs1304557335, ClinGen allele CA358799316.
Genomic context (GRCh38, chr4:168,903,794, plus strand): 5'-TTAATCTTTGTTTCTATTCACAGATCTATTGGTTTAAAGATGGGAAGCAGATCTCTCCAA[A>G]GAGTGATCACTACACCATTCAAAGAGATCTCGATGGGACCTGCTCCCTCCATACCACAGC-3'
Protein context (NP_001159580.1, residues 827-847): WFKDGKQISP[Lys837Arg]SDHYTIQRDL

ClinVar aggregate classification (germline): Uncertain significance (1 of 4 stars; one submission).

Allele frequency attached by ClinVar (database versions not stated): TOPMed below 0.00001.

Submission:

Ambry Genetics
Classification: Uncertain significance. Last evaluated: 2022-03-03. Review status: criteria provided, single submitter. Criteria: Ambry Variant Classification Scheme 2023. Collection method: clinical testing. Allele origin: germline.
Comment: The p.K820R variant (also known as c.2459A>G), located in coding exon 13 of the PALLD gene, results from an A to G substitution at nucleotide position 2459. The lysine at codon 820 is replaced by arginine, an amino acid with highly similar properties. This amino acid position is conserved. In addition, this alteration is predicted to be tolerated by in silico analysis. Since supporting evidence is limited at this time, the clinical significance of this alteration remains unclear.